The following is an entry in ClinVar:

NM_017617.5(NOTCH1):c.2053A>T (p.Asn685Tyr)

Gene: NOTCH1 (notch receptor 1; minus strand). Cytogenetic location: 9q34.3.
Variant type: single nucleotide variant.
Coding change: c.2053A>T on transcript NM_017617.5 (MANE Select); coding-DNA position 2053, A replaced by T.
Protein change: p.Asn685Tyr; replaces asparagine 685 with tyrosine.
Molecular consequence: missense variant.
Genome position (GRCh38, 1-based): chr9:136,514,664, T>A on the plus strand (A>T on the coding strand, the complement: NOTCH1 is on the minus strand). VCF-style: chr9-136514664-T-A. GRCh37 (hg19) VCF-style: chr9-139409116-T-A.
Other names: short protein forms N685Y.
Identifiers: ClinVar variation 2129699 (VCV002129699.4), dbSNP rs2133361155, ClinGen allele CA375558840.
Genomic context (GRCh38, chr9:136,514,664, plus strand): 5'-GGCAGCGGCAGGTGAAGCCATTGATGCCGTCCTCGCAGGTGCCCCCGTTGTGGCAGGGGT[T>A]GCCCGCACACTCATCGATGTTGATGTTACACATGCTCCCTAAGGGCAGGGCGGGTCAGAC-3'
Protein context (NP_060087.3, residues 675-695): CNINIDECAG[Asn685Tyr]PCHNGGTCED

ClinVar aggregate classification (germline): Uncertain significance (1 of 4 stars; one submission).

Conditions:
Adams-Oliver syndrome 5 (AOS5). Identifiers: Orphanet 974, MedGen C4014970, MONDO:0014459, OMIM 616028.

Submission:

Labcorp Genetics (formerly Invitae), Labcorp
Classification: Uncertain significance for Adams-Oliver syndrome 5. Last evaluated: 2022-04-23. Review status: criteria provided, single submitter. Criteria: Invitae Variant Classification Sherloc (09022015). Collection method: clinical testing. Allele origin: germline.
Comment: In summary, the available evidence is currently insufficient to determine the role of this variant in disease. Therefore, it has been classified as a Variant of Uncertain Significance. Advanced modeling of protein sequence and biophysical properties (such as structural, functional, and spatial information, amino acid conservation, physicochemical variation, residue mobility, and thermodynamic stability) performed at Invitae indicates that this missense variant is not expected to disrupt NOTCH1 protein function. This variant has not been reported in the literature in individuals affected with NOTCH1-related conditions. This variant is not present in population databases (gnomAD no frequency). This sequence change replaces asparagine, which is neutral and polar, with tyrosine, which is neutral and polar, at codon 685 of the NOTCH1 protein (p.Asn685Tyr).